The following is an entry in ClinVar:

NM_058216.3(RAD51C):c.22T>C (p.Phe8Leu)

Gene: RAD51C (RAD51 paralog C; plus strand). Cytogenetic location: 17q22.
Variant type: single nucleotide variant.
Coding change: c.22T>C on transcript NM_058216.3 (MANE Select); coding-DNA position 22, T replaced by C.
Protein change: p.Phe8Leu; replaces phenylalanine 8 with leucine.
Molecular consequence: missense variant. On other transcripts: non-coding transcript variant (2).
Genome position (GRCh38, 1-based): chr17:58,692,665, T>C. VCF-style: chr17-58692665-T-C. GRCh37 (hg19) VCF-style: chr17-56770026-T-C.
Other names: c.22T>C, p.Phe8Leu (NM_002876.4, NM_058217.1); short protein forms F8L.
Identifiers: ClinVar variation 2459333 (VCV002459333.7), dbSNP rs1349262257, ClinGen allele CA400336259.
Genomic context (GRCh38, chr17:58,692,665, plus strand): 5'-CGGAGTTTGGCTGCTCCGGGGTTAGCAGGTGAGCCTGCGATGCGCGGGAAGACGTTCCGC[T>C]TTGAAATGCAGCGGGATTTGGTGAGTTTCCCGCTGTCTCCAGCGGTGCGGGTGAAGCTGG-3'
Protein context (NP_478123.1, residues 1-18): MRGKTFR[Phe8Leu]EMQRDLVSFP

ClinVar aggregate classification (germline): Conflicting classifications of pathogenicity. Review status: criteria provided, conflicting classifications (1 of 4 stars). 3 submissions from 3 submitters: Uncertain significance (2); Benign (1). Last evaluated 2025-10-17.

Conditions:
Fanconi anemia complementation group O. Also called: RAD51C-Related Fanconi Anemia. Identifiers: Orphanet 84, MedGen C3150653, MONDO:0013248, OMIM 613390.
Hereditary cancer-predisposing syndrome. Also called: Hereditary neoplastic syndrome; Tumor predisposition; Neoplastic Syndromes, Hereditary; Hereditary Cancer Syndrome. Identifiers: Orphanet 140162, MedGen C0027672, MeSH D009386, MONDO:0015356.

Submissions (3):

Ambry Genetics
Classification: Benign for Hereditary cancer-predisposing syndrome. Last evaluated: 2025-10-17. Review status: criteria provided, single submitter. Criteria: Ambry Variant Classification Scheme 2023. Collection method: clinical testing. Allele origin: germline.

Labcorp Genetics (formerly Invitae), Labcorp
Classification: Uncertain significance for Fanconi anemia complementation group O. Last evaluated: 2025-01-26. Review status: criteria provided, single submitter. Criteria: Invitae Variant Classification Sherloc (09022015). Collection method: clinical testing. Allele origin: germline.
Comment: This sequence change replaces phenylalanine, which is neutral and non-polar, with leucine, which is neutral and non-polar, at codon 8 of the RAD51C protein (p.Phe8Leu). This variant is not present in population databases (gnomAD no frequency). This variant has not been reported in the literature in individuals affected with RAD51C-related conditions. ClinVar contains an entry for this variant (Variation ID: 2459333). Invitae Evidence Modeling of protein sequence and biophysical properties (such as structural, functional, and spatial information, amino acid conservation, physicochemical variation, residue mobility, and thermodynamic stability) indicates that this missense variant is expected to disrupt RAD51C protein function with a positive predictive value of 95%. In summary, the available evidence is currently insufficient to determine the role of this variant in disease. Therefore, it has been classified as a Variant of Uncertain Significance.

Color Diagnostics, LLC DBA Color Health
Classification: Uncertain significance for Hereditary cancer-predisposing syndrome. Last evaluated: 2024-09-03. Review status: criteria provided, single submitter. Criteria: ACMG Guidelines, 2015. Collection method: clinical testing. Allele origin: germline.
Comment: This missense variant replaces phenylalanine with leucine at codon 8 of the RAD51C protein. Computational prediction suggests that this variant may not impact protein structure and function (internally defined REVEL score threshold <= 0.5, PMID: 27666373). To our knowledge, functional studies have not been reported for this variant. This variant has not been reported in individuals affected with RAD51C-related disorders in the literature. This variant has not been identified in the general population by the Genome Aggregation Database (gnomAD). The available evidence is insufficient to determine the role of this variant in disease conclusively. Therefore, this variant is classified as a Variant of Uncertain Significance.